The following is an entry in ClinVar:

NM_018945.4(PDE7B):c.742C>T (p.Arg248Ter)

Gene: PDE7B (phosphodiesterase 7B; plus strand). Cytogenetic location: 6q23.3.
Variant type: single nucleotide variant.
Coding change: c.742C>T on transcript NM_018945.4 (MANE Select); coding-DNA position 742, C replaced by T.
Protein change: p.Arg248Ter; replaces arginine 248 with a stop codon.
Molecular consequence: nonsense.
Genome position (GRCh38, 1-based): chr6:136,173,827, C>T. VCF-style: chr6-136173827-C-T. GRCh37 (hg19) VCF-style: chr6-136494965-C-T.
Other names: short protein forms R248*.
Identifiers: ClinVar variation 161725 (VCV000161725.2), dbSNP rs193920799, ClinGen allele CA174671.

ClinVar aggregate classification (germline): Uncertain significance (0 of 4 stars; one submission).

Conditions:
Prostate cancer. Also called: Malignant tumor of prostate. Identifiers: Orphanet 1331, MedGen C0376358, MONDO:0008315, HP:0012125.

Allele frequency attached by ClinVar (database versions not stated): gnomAD 0.00001; TOPMed below 0.00001; ExAC 0.00001.
gnomAD v4.1: 4 of 1,611,108 alleles (0.00025%); highest among the groups gnomAD compares: East Asian, 0.0022%; no homozygotes.

Submission:

Science for Life laboratory,  Karolinska Institutet
Classification: Uncertain significance for Malignant tumor of prostate. Review status: no assertion criteria provided. Collection method: not provided. Allele origin: somatic.
Comment: TumorID:SWE-11
ClinVar note: Converted during submission from Unknown to Uncertain significance.